The following is an entry in ClinVar:

NM_006593.4(TBR1):c.593_596delinsTGCC (p.Gly198_Leu199delinsValPro)

Gene: TBR1 (T-box brain transcription factor 1; plus strand). Cytogenetic location: 2q24.2.
Variant type: Indel.
Coding change: c.593_596delinsTGCC on transcript NM_006593.4 (MANE Select); coding-DNA positions 593 to 596, GGCT replaced by TGCC.
Protein change: p.Gly198_Leu199delinsValPro.
Molecular consequence: missense variant.
Genome position (GRCh38, 1-based): chr2:161,417,003-161,417,006, GGCT replaced by TGCC. VCF-style: chr2-161417003-GGCT-TGCC. GRCh37 (hg19) VCF-style: chr2-162273514-GGCT-TGCC.
Identifiers: ClinVar variation 5017869 (VCV005017869.1).

ClinVar aggregate classification (germline): Uncertain significance (1 of 4 stars; one submission).

Submission:

GeneDx
Classification: Uncertain significance. Last evaluated: 2026-03-30. Review status: criteria provided, single submitter. Criteria: GeneDx Variant Classification Process June 2021. Collection method: clinical testing. Allele origin: germline.
Comment: Not observed at significant frequency in large population cohorts (gnomAD); In-frame deletion of 2 amino acid(s) and insertion of 2 different amino acid(s) in a non-repeat region; In silico analysis suggests that this variant does not alter protein structure/function; Has not been previously published as pathogenic or benign to our knowledge